The following is an entry in ClinVar:

NM_003006.4(SELPLG):c.600G>A (p.Glu200=)

Gene: SELPLG (selectin P ligand; minus strand). Cytogenetic location: 12q24.11.
Variant type: single nucleotide variant.
Coding change: c.600G>A on transcript NM_003006.4 (MANE Select); coding-DNA position 600, G replaced by A.
Protein change: p.Glu200=; no amino-acid change (glutamic acid 200 retained).
Molecular consequence: synonymous variant.
Genome position (GRCh38, 1-based): chr12:108,623,708, C>T on the plus strand (G>A on the coding strand, the complement: SELPLG is on the minus strand). VCF-style: chr12-108623708-C-T. GRCh37 (hg19) VCF-style: chr12-109017484-C-T.
Other names: c.648G>A, p.Glu216= (NM_001206609.2).
Identifiers: ClinVar variation 4534083 (VCV004534083.6).
Genomic context (GRCh38, chr12:108,623,708, plus strand): 5'-CTCCATGGCTGCTGGTGGAGTGGTCTGTGCTTCCATGGCTGCTGGTGCAGTGGTCTGTGC[C>T]TCCATGGCTGCTGGTGCAGTGGTCTGTGCCTCCAGGCCTGTGGGTTGAGTGGTCTGTGCT-3'
Protein context (NP_002997.2, residues 190-210): EAQTTAPAAM[Glu200=]AQTTAPAAME

ClinVar aggregate classification (germline): Likely benign (1 of 4 stars; one submission).

gnomAD v4.1: 1 of 1,598,090 alleles (0.000063%); highest among the groups gnomAD compares: Non-Finnish European, 0.000085%; no homozygotes.

Submission:

CeGaT Center for Human Genetics Tuebingen
Classification: Likely benign. Last evaluated: 2025-09-01. Review status: criteria provided, single submitter. Criteria: CeGaT Center For Human Genetics Tuebingen Variant Classification Criteria Version 2. Collection method: clinical testing. Allele origin: germline. Affected: yes. Observed: 1 variant allele.
Comment: SELPLG: BP4, BP7